The following is an entry in ClinVar:

NM_015425.6(POLR1A):c.3452G>A (p.Arg1151His)

Gene: POLR1A (RNA polymerase I subunit A; minus strand). Cytogenetic location: 2p11.2.
Variant type: single nucleotide variant.
Coding change: c.3452G>A on transcript NM_015425.6 (MANE Select); coding-DNA position 3452, G replaced by A.
Protein change: p.Arg1151His; replaces arginine 1151 with histidine.
Molecular consequence: missense variant.
Genome position (GRCh38, 1-based): chr2:86,042,009, C>T on the plus strand (G>A on the coding strand, the complement: POLR1A is on the minus strand). VCF-style: chr2-86042009-C-T. GRCh37 (hg19) VCF-style: chr2-86269132-C-T.
Other names: short protein forms R1151H.
Identifiers: ClinVar variation 1413886 (VCV001413886.6), dbSNP rs1029249129, ClinGen allele CA51331855.
Genomic context (GRCh38, chr2:86,042,009, plus strand): 5'-CTGTAGTCATCAACCTTTGTTTCAAATGTTTCTGACACTGATGCAAAGTAGATGTCAGGA[C>T]GCCAGACAGACAGACTGGGGTCAGGACAAGCGGCCGCCTTCTTCTGGTATTTCCTTCGGC-3'
Protein context (NP_056240.2, residues 1141-1161): ACPDPSLSVW[Arg1151His]PDIYFASVSE

ClinVar aggregate classification (germline): Uncertain significance (1 of 4 stars; one submission).

Allele frequency attached by ClinVar (database versions not stated): gnomAD exomes 0.00001; TOPMed 0.00001.
gnomAD v4.1: 21 of 1,613,978 alleles (0.0013%); highest among the groups gnomAD compares: Middle Eastern, 0.017%; no homozygotes.

Submission:

Labcorp Genetics (formerly Invitae), Labcorp
Classification: Uncertain significance. Last evaluated: 2024-02-06. Review status: criteria provided, single submitter. Criteria: Invitae Variant Classification Sherloc (09022015). Collection method: clinical testing. Allele origin: germline.
Comment: This sequence change replaces arginine, which is basic and polar, with histidine, which is basic and polar, at codon 1151 of the POLR1A protein (p.Arg1151His). This variant is present in population databases (no rsID available, gnomAD 0.007%). This variant has not been reported in the literature in individuals affected with POLR1A-related conditions. ClinVar contains an entry for this variant (Variation ID: 1413886). Advanced modeling of protein sequence and biophysical properties (such as structural, functional, and spatial information, amino acid conservation, physicochemical variation, residue mobility, and thermodynamic stability) performed at Invitae indicates that this missense variant is expected to disrupt POLR1A protein function with a positive predictive value of 80%. In summary, the available evidence is currently insufficient to determine the role of this variant in disease. Therefore, it has been classified as a Variant of Uncertain Significance.